The following is an entry in ClinVar:

ClinVar aggregate classification (germline): Uncertain significance (1 of 4 stars; one submission).

Conditions:
Immunodeficiency 35 (IMD35). Also called: TYK2 DEFICIENCY; HIES WITH ATYPICAL MYCOBACTERIOSIS, AUTOSOMAL RECESSIVE; HYPER-IgE SYNDROME WITH ATYPICAL MYCOBACTERIOSIS, AUTOSOMAL RECESSIVE; Susceptibility to infection due to TYK2 deficiency. Identifiers: Orphanet 331226, MedGen C1969086, MONDO:0012682, OMIM 611521.

Allele frequency attached by ClinVar (database versions not stated): gnomAD exomes 0.00001; ExAC 0.00011; TOPMed 0.00011; 1000 Genomes Project 30x 0.00016; 1000 Genomes Project 0.00020; ESP Exome Variant Server 0.00023.
gnomAD v4.1: 19 of 1,495,670 alleles (0.0013%); highest among the groups gnomAD compares: African/African-American, 0.017%; no homozygotes.

Submission:

Labcorp Genetics (formerly Invitae), Labcorp
Classification: Uncertain significance for Immunodeficiency 35. Last evaluated: 2022-04-15. Review status: criteria provided, single submitter. Criteria: Invitae Variant Classification Sherloc (09022015). Collection method: clinical testing. Allele origin: germline.
Comment: In summary, the available evidence is currently insufficient to determine the role of this variant in disease. Therefore, it has been classified as a Variant of Uncertain Significance. Algorithms developed to predict the effect of missense changes on protein structure and function are either unavailable or do not agree on the potential impact of this missense change (SIFT: "Not Available"; PolyPhen-2: "Benign"; Align-GVGD: "Not Available"). This variant has not been reported in the literature in individuals affected with TYK2-related conditions. This variant is present in population databases (rs148484862, gnomAD 0.02%). This sequence change replaces histidine, which is basic and polar, with glutamine, which is neutral and polar, at codon 993 of the TYK2 protein (p.His993Gln).

NM_003331.5(TYK2):c.2979C>G (p.His993Gln)

Gene: TYK2 (tyrosine kinase 2; minus strand). Cytogenetic location: 19p13.2.
Variant type: single nucleotide variant.
Coding change: c.2979C>G on transcript NM_003331.5 (MANE Select); coding-DNA position 2979, C replaced by G.
Protein change: p.His993Gln; replaces histidine 993 with glutamine.
Molecular consequence: missense variant.
Genome position (GRCh38, 1-based): chr19:10,353,576, G>C on the plus strand (C>G on the coding strand, the complement: TYK2 is on the minus strand). VCF-style: chr19-10353576-G-C. GRCh37 (hg19) VCF-style: chr19-10464252-G-C.
Other names: c.2979C>G, p.His993Gln (NM_001385197.1, NM_001385198.1, NM_001406461.1); c.2793C>G, p.His931Gln (NM_001385199.1); c.2976C>G, p.His992Gln (NM_001385200.1); c.2781C>G, p.His927Gln (NM_001385201.1); c.2895C>G, p.His965Gln (NM_001385202.1); c.3060C>G, p.His1020Gln (NM_001385203.1); c.3189C>G, p.His1063Gln (NM_001385204.1); c.2889C>G, p.His963Gln (NM_001385205.1); and 2 more; short protein forms H951Q, H992Q, H1063Q, H965Q, H927Q, H963Q, H993Q, H1020Q.
Identifiers: ClinVar variation 2078098 (VCV002078098.3), dbSNP rs148484862, ClinGen allele CA9192854.